The following is an entry in ClinVar:

ClinVar aggregate classification (germline): Conflicting classifications of pathogenicity. Review status: criteria provided, conflicting classifications (1 of 4 stars). 5 submissions from 5 submitters: Uncertain significance (3); Benign (1); Likely benign (1). Last evaluated 2025-06-25.

Conditions:
Familial thoracic aortic aneurysm and aortic dissection (TAAD). Also called: Thoracic aortic aneurysms and dissections. Identifiers: Orphanet 91387, MedGen C4707243, MONDO:0019625.
Marfan syndrome (MFS). Also called: FBN1-Related Marfan Syndrome; Marfan's syndrome; MARFAN SYNDROME, TYPE I; Marfan syndrome type 1; Marfan syndrome, classic. Identifiers: Orphanet 284963, Orphanet 558, MedGen C0024796, MONDO:0007947, OMIM 154700.

Allele frequency attached by ClinVar (database versions not stated): TOPMed 0.00001; gnomAD exomes 0.00001; gnomAD 0.00001.
gnomAD v4.1: 18 of 1,614,168 alleles (0.0011%); highest among the groups gnomAD compares: Non-Finnish European, 0.0015%; no homozygotes.

Submissions (5):

GeneDx
Classification: Uncertain significance. Last evaluated: 2025-06-25. Review status: criteria provided, single submitter. Criteria: GeneDx Variant Classification Process June 2021. Collection method: clinical testing. Allele origin: germline. Affected: yes.
Comment: Has not been previously published as pathogenic or benign to our knowledge; Does not affect a cysteine or calcium-binding residue within an EGF-like domain or a TGF-binding protein domain of the FBN1 gene; cysteine substitutions in the EGF-like domains represent the majority of pathogenic missense changes associated with FBN1-related disorders (PMID: 12938084); In silico analysis suggests that this missense variant does not alter protein structure/function; This variant is associated with the following publications: (PMID: 12938084)

Labcorp Genetics (formerly Invitae), Labcorp
Classification: Benign for Marfan syndrome; Familial thoracic aortic aneurysm and aortic dissection. Last evaluated: 2024-10-16. Review status: criteria provided, single submitter. Criteria: Invitae Variant Classification Sherloc (09022015). Collection method: clinical testing. Allele origin: germline.

Color Diagnostics, LLC DBA Color Health
Classification: Likely benign for Familial thoracic aortic aneurysm and aortic dissection. Last evaluated: 2024-09-30. Review status: criteria provided, single submitter. Criteria: ACMG Guidelines, 2015. Collection method: clinical testing. Allele origin: germline.

Women's Health and Genetics/Laboratory Corporation of America, LabCorp
Classification: Uncertain significance. Last evaluated: 2024-08-28. Review status: criteria provided, single submitter. Criteria: LabCorp Variant Classification Summary - May 2015. Collection method: clinical testing. Allele origin: germline.
Comment: Variant summary: FBN1 c.4012G>A (p.Val1338Ile) results in a conservative amino acid change located in the EGF-like domain (IPR000742) of the encoded protein sequence. Five of five in-silico tools predict a benign effect of the variant on protein function. The variant allele was found at a frequency of 8e-06 in 251236 control chromosomes. The available data on variant occurrences in the general population are insufficient to allow any conclusion about variant significance. To our knowledge, no occurrence of c.4012G>A in individuals affected with Aortopathy and no experimental evidence demonstrating its impact on protein function have been reported. ClinVar contains an entry for this variant (Variation ID: 849542). Based on the evidence outlined above, the variant was classified as uncertain significance.

All of Us Research Program, National Institutes of Health
Classification: Uncertain significance for Marfan syndrome. Last evaluated: 2023-08-15. Review status: criteria provided, single submitter. Criteria: ACMG Guidelines, 2015. Collection method: clinical testing. Allele origin: germline. Inheritance: Autosomal dominant inheritance. Observed: 2 variant alleles, 2 heterozygotes.
Comment: This missense variant replaces valine with isoleucine at codon 1338 of the FBN1 protein. Computational prediction suggests that this variant may not impact protein structure and function (internally defined REVEL score threshold <= 0.5, PMID: 27666373). To our knowledge, functional studies have not been reported for this variant. This variant has been reported in an individual clinical features of Marfan syndrome (ClinVar RCV001053535.6). This variant has been identified in 3/282644 chromosomes in the general population by the Genome Aggregation Database (gnomAD). The available evidence is insufficient to determine the role of this variant in disease conclusively. Therefore, this variant is classified as a Variant of Uncertain Significance.

This study involves interpretation of variants in research participants for the purpose of population health screening. Participant phenotype was not available at the time of variant classification. Additional details can be found in publication PMID: 35346344, PMCID: PMC8962531

NM_000138.5(FBN1):c.4012G>A (p.Val1338Ile)

Gene: FBN1 (fibrillin 1; minus strand). Cytogenetic location: 15q21.1.
Variant type: single nucleotide variant.
Coding change: c.4012G>A on transcript NM_000138.5 (MANE Select); coding-DNA position 4012, G replaced by A.
Protein change: p.Val1338Ile; replaces valine 1338 with isoleucine.
Molecular consequence: missense variant.
Genome position (GRCh38, 1-based): chr15:48,474,603, C>T on the plus strand (G>A on the coding strand, the complement: FBN1 is on the minus strand). VCF-style: chr15-48474603-C-T. GRCh37 (hg19) VCF-style: chr15-48766800-C-T.
Other names: short protein forms V1338I.
Identifiers: ClinVar variation 849542 (VCV000849542.16), dbSNP rs1416288007, ClinGen allele CA392320563.